The following is an entry in ClinVar:

ClinVar aggregate classification (germline): Benign. Review status: criteria provided, multiple submitters, no conflicts (2 of 4 stars). 4 submissions from 4 submitters: Benign (2). 2 of the submissions do not count toward it. Last evaluated 2021-06-09.

Conditions:
PON1-related disorder. Also called: PON1-related condition.
Enzyme activity finding. Identifiers: MedGen C1827841.

Allele frequency attached by ClinVar (database versions not stated): 1000 Genomes Project 30x 0.18738; TOPMed 0.27707; gnomAD exomes 0.28878; ExAC 0.29127; gnomAD 0.28622 and 0.29107; 1000 Genomes Project 0.18271.
gnomAD v4.1: 532,518 of 1,611,280 alleles (33%); highest among the groups gnomAD compares: Middle Eastern, 39%; 93,380 homozygotes.

Submissions (4):

GeneDx
Classification: Benign. Last evaluated: 2021-06-09. Review status: criteria provided, single submitter. Criteria: GeneDx Variant Classification Process June 2021. Collection method: clinical testing. Allele origin: germline. Affected: yes.
Comment: This variant is associated with the following publications: (PMID: 23590198, 23538572, 26241956, 9011577, 21718208, 21231776, 20390392, 21229382, 12867538, 21783258, 20812194, 19269283, 18708400, 10952224, 20042177, 23007074)

Breakthrough Genomics
Classification: Benign. Review status: criteria provided, single submitter. Criteria: ACMG Guidelines, 2015. Collection method: not provided. Allele origin: germline. Inheritance: Unknown mechanism. Affected: yes.

OMIM
No classification provided. Condition: RECLASSIFIED - PON1 POLYMORPHISM. Last evaluated: 2025-06-09. Review status: no classification provided. Collection method: literature only. Allele origin: germline. Not counted in ClinVar's aggregate classification.

PreventionGenetics, part of Exact Sciences
Classification: Benign for PON1-related condition. Last evaluated: 2019-10-16. Review status: no assertion criteria provided. Collection method: clinical testing. Allele origin: germline. Not counted in ClinVar's aggregate classification.
Comment: This variant is classified as benign based on ACMG/AMP sequence variant interpretation guidelines (Richards et al. 2015 PMID: 25741868, with internal and published modifications).

Literature cited by the submitters: Hamosh, A. Personal Communication. 2025. Baltimore, Md. (cited by OMIM); PubMed 9011577 (cited by OMIM); PubMed 11335891 (cited by OMIM); PubMed 11889198 (cited by OMIM); PubMed 11788650 (cited by OMIM); PubMed 9661650 (cited by OMIM); PubMed 11918623 (cited by OMIM).

NM_000446.7(PON1):c.163T>A (p.Leu55Met)

Gene: PON1 (paraoxonase 1; minus strand). Cytogenetic location: 7q21.3.
Variant type: single nucleotide variant.
Coding change: c.163T>A on transcript NM_000446.7 (MANE Select); coding-DNA position 163, T replaced by A.
Protein change: p.Leu55Met; replaces leucine 55 with methionine.
Molecular consequence: missense variant.
Genome position (GRCh38, 1-based): chr7:95,316,772, A>T on the plus strand (T>A on the coding strand, the complement: PON1 is on the minus strand). VCF-style: chr7-95316772-A-T. GRCh37 (hg19) VCF-style: chr7-94946084-A-T.
Other names: short protein forms L55M.
Identifiers: ClinVar variation 13736 (VCV000013736.6), dbSNP rs854560, ClinGen allele CA123413.